The following is an entry in ClinVar:

ClinVar aggregate classification (germline): Uncertain significance (1 of 4 stars; one submission).

Allele frequency attached by ClinVar (database versions not stated): gnomAD 0.00001; gnomAD exomes 0.00001; TOPMed 0.00001.

Submission:

Labcorp Genetics (formerly Invitae), Labcorp
Classification: Uncertain significance. Last evaluated: 2025-11-06. Review status: criteria provided, single submitter. Criteria: Invitae Variant Classification Sherloc (09022015). Collection method: clinical testing. Allele origin: germline.
Comment: This sequence change creates a premature translational stop signal (p.Arg163*) in the MYLK3 gene. It is expected to result in an absent or disrupted protein product. However, the current clinical and genetic evidence is not sufficient to establish whether loss-of-function variants in MYLK3 cause disease. This variant is present in population databases (no rsID available, gnomAD 0.007%). This variant has not been reported in the literature in individuals affected with MYLK3-related conditions. ClinVar contains an entry for this variant (Variation ID: 1389354). In summary, the available evidence is currently insufficient to determine the role of this variant in disease. Therefore, it has been classified as a Variant of Uncertain Significance.

NM_182493.3(MYLK3):c.487C>T (p.Arg163Ter)

Gene: MYLK3 (myosin light chain kinase 3; minus strand). Cytogenetic location: 16q11.2.
Variant type: single nucleotide variant.
Coding change: c.487C>T on transcript NM_182493.3 (MANE Select); coding-DNA position 487, C replaced by T.
Protein change: p.Arg163Ter; replaces arginine 163 with a stop codon.
Molecular consequence: nonsense. On other transcripts: 5 prime UTR variant (1).
Genome position (GRCh38, 1-based): chr16:46,740,138, G>A on the plus strand (C>T on the coding strand, the complement: MYLK3 is on the minus strand). VCF-style: chr16-46740138-G-A. GRCh37 (hg19) VCF-style: chr16-46774050-G-A.
Other names: c.-104C>T (NM_001308301.1); short protein forms R163*.
Identifiers: ClinVar variation 1389354 (VCV001389354.6), dbSNP rs1280084762, ClinGen allele CA395796088.